The following is an entry in ClinVar:

ClinVar aggregate classification (germline): Uncertain significance (1 of 4 stars; one submission).

Conditions:
Hereditary cancer-predisposing syndrome. Also called: Neoplastic Syndromes, Hereditary; Tumor predisposition; Hereditary neoplastic syndrome; Hereditary Cancer Syndrome. Identifiers: Orphanet 140162, MedGen C0027672, MeSH D009386, MONDO:0015356.

gnomAD v4.1: 1 of 1,613,990 alleles (0.000062%); highest among the groups gnomAD compares: East Asian, 0.0022%; no homozygotes.

Submission:

Ambry Genetics
Classification: Uncertain significance for Hereditary cancer-predisposing syndrome. Last evaluated: 2025-05-16. Review status: criteria provided, single submitter. Criteria: Ambry Variant Classification Scheme 2023. Collection method: clinical testing. Allele origin: germline.
Comment: The p.F217V variant (also known as c.649T>G), located in coding exon 1 of the ALK gene, results from a T to G substitution at nucleotide position 649. The phenylalanine at codon 217 is replaced by valine, an amino acid with highly similar properties. This amino acid position is well conserved in available vertebrate species. In addition, the in silico prediction for this alteration is inconclusive. Based on the available evidence, the clinical significance of this variant remains unclear.

NM_004304.5(ALK):c.649T>G (p.Phe217Val)

Gene: ALK (ALK receptor tyrosine kinase; minus strand). Cytogenetic location: 2p23.1.
Variant type: single nucleotide variant.
Coding change: c.649T>G on transcript NM_004304.5 (MANE Select); coding-DNA position 649, T replaced by G.
Protein change: p.Phe217Val; replaces phenylalanine 217 with valine.
Molecular consequence: missense variant.
Genome position (GRCh38, 1-based): chr2:29,920,011, A>C on the plus strand (T>G on the coding strand, the complement: ALK is on the minus strand). VCF-style: chr2-29920011-A-C. GRCh37 (hg19) VCF-style: chr2-30142877-A-C.
Other names: short protein forms F217V.
Identifiers: ClinVar variation 4040719 (VCV004040719.1).
Genomic context (GRCh38, chr2:29,920,011, plus strand): 5'-AAAAACACTAAATCCCGGCACACTCAGGCGGGAGCTGCTCACCAGTCCCGAAGATCTGGA[A>C]GAGAAGGCGGGGCTGGGAGGCGCGAATTGCCGCGGACAGCCTTCCCTCTCTGCCCACTTC-3'
Protein context (NP_004295.2, residues 207-227): AIRASQPRLL[Phe217Val]QIFGTGHSSL